The following is an entry in ClinVar:

ClinVar aggregate classification (germline): Uncertain significance (1 of 4 stars; one submission).

Conditions:
Dilated cardiomyopathy 1JJ (CMD1JJ). Identifiers: Orphanet 154, MedGen C3808935, MONDO:0014095, OMIM 615235.

Submission:

Labcorp Genetics (formerly Invitae), Labcorp
Classification: Uncertain significance for Dilated cardiomyopathy 1JJ. Last evaluated: 2022-06-24. Review status: criteria provided, single submitter. Criteria: Invitae Variant Classification Sherloc (09022015). Collection method: clinical testing. Allele origin: germline.
Comment: In summary, the available evidence is currently insufficient to determine the role of this variant in disease. Therefore, it has been classified as a Variant of Uncertain Significance. Algorithms developed to predict the effect of missense changes on protein structure and function output the following: SIFT: "Tolerated"; PolyPhen-2: "Benign"; Align-GVGD: "Class C0". The asparagine amino acid residue is found in multiple mammalian species, which suggests that this missense change does not adversely affect protein function. ClinVar contains an entry for this variant (Variation ID: 863156). This variant has not been reported in the literature in individuals affected with LAMA4-related conditions. This variant is not present in population databases (gnomAD no frequency). This sequence change replaces serine, which is neutral and polar, with asparagine, which is neutral and polar, at codon 628 of the LAMA4 protein (p.Ser628Asn).

NM_001105206.3(LAMA4):c.1904G>A (p.Ser635Asn)

Gene: LAMA4 (laminin subunit alpha 4; minus strand). Cytogenetic location: 6q21.
Variant type: single nucleotide variant.
Coding change: c.1904G>A on transcript NM_001105206.3 (MANE Select); coding-DNA position 1904, G replaced by A.
Protein change: p.Ser635Asn; replaces serine 635 with asparagine.
Molecular consequence: missense variant.
Genome position (GRCh38, 1-based): chr6:112,155,620, C>T on the plus strand (G>A on the coding strand, the complement: LAMA4 is on the minus strand). VCF-style: chr6-112155620-C-T. GRCh37 (hg19) VCF-style: chr6-112476822-C-T.
Other names: c.1883G>A, p.Ser628Asn (NM_001105207.3, NM_002290.5); short protein forms S635N, S628N.
Identifiers: ClinVar variation 863156 (VCV000863156.9), dbSNP rs1780663574, ClinGen allele CA365364376.